The following is an entry in ClinVar:

ClinVar aggregate classification (germline): Likely pathogenic. Review status: criteria provided, multiple submitters, no conflicts (2 of 4 stars). 2 submissions from 2 submitters: Likely pathogenic (2). Last evaluated 2025-08-21.

Conditions:
Cataract 17 multiple types. Also called: CATARACT 17, PULVERULENT; CATARACT 17, CONGENITAL NUCLEAR, AUTOSOMAL RECESSIVE. Identifiers: Orphanet 91492, MedGen C3888124, MONDO:0012688, OMIM 611544.
CRYBB1-related disorder. Also called: CRYBB1-related condition.

Submissions (2):

PreventionGenetics, part of Exact Sciences
Classification: Likely pathogenic for CRYBB1-related condition. Last evaluated: 2025-08-21. Review status: criteria provided, single submitter. Criteria: ACMG Guidelines, 2015. Collection method: clinical testing. Allele origin: germline.
Comment: The CRYBB1 c.2T>A variant is predicted to disrupt the translation initiation site (p.Met1?). This variant was reported in the homozygous state in four siblings with congenital cataracts (Meyer et al. 2009. PubMed ID: 19461930). This variant has not been reported in a large population database (gnomAD), indicating this variant is rare. This variant is interpreted as likely pathogenic.

Genomic Medicine Center of Excellence, King Faisal Specialist Hospital and Research Centre
Classification: Likely pathogenic for Cataract 17 multiple types. Last evaluated: 2024-03-26. Review status: criteria provided, single submitter. Criteria: ACMG Guidelines, 2015. Collection method: clinical testing. Allele origin: germline.

NM_001887.4(CRYBB1):c.2T>A (p.Met1Lys)

Genes: CRYBA4 (crystallin beta A4; plus strand), CRYBB1 (crystallin beta B1; minus strand). Cytogenetic location: 22q12.1.
Variant type: single nucleotide variant.
Coding change: c.2T>A on transcript NM_001887.4 (MANE Select); coding-DNA position 2, T replaced by A.
Protein change: p.Met1Lys; changes the start codon (methionine 1).
Molecular consequence: missense variant, initiator codon variant.
Genome position (GRCh38, 1-based): chr22:26,616,318, A>T on the plus strand (T>A on the coding strand, the complement: CRYBB1 is on the minus strand). VCF-style: chr22-26616318-A-T. GRCh37 (hg19) VCF-style: chr22-27012282-A-T.
Other names: c.2T>A (NM_001887.3); short protein forms M1K.
Identifiers: ClinVar variation 3065113 (VCV003065113.2), dbSNP rs1929354169, ClinGen allele CA411035211.